The following is an entry in ClinVar:

NM_001008212.2(OPTN):c.1253T>G (p.Val418Gly)

Gene: OPTN (optineurin; plus strand). Cytogenetic location: 10p13.
Variant type: single nucleotide variant.
Coding change: c.1253T>G on transcript NM_001008212.2 (MANE Select); coding-DNA position 1253, T replaced by G.
Protein change: p.Val418Gly; replaces valine 418 with glycine.
Molecular consequence: missense variant.
Genome position (GRCh38, 1-based): chr10:13,127,755, T>G. VCF-style: chr10-13127755-T-G. GRCh37 (hg19) VCF-style: chr10-13169755-T-G.
Other names: c.1253T>G, p.Val418Gly (NM_001008211.1, NM_001008213.1, NM_021980.4); short protein forms V418G.
Identifiers: ClinVar variation 3348045 (VCV003348045.1).

ClinVar aggregate classification (germline): Uncertain significance (0 of 4 stars; one submission).

Conditions:
OPTN-related disorder. Also called: OPTN-related condition; OPTN-related disorders.

gnomAD v4.1: 4 of 1,614,068 alleles (0.00025%); highest among the groups gnomAD compares: Middle Eastern, 0.016%; no homozygotes.

Submission:

PreventionGenetics, part of Exact Sciences
Classification: Uncertain significance for OPTN-related condition. Last evaluated: 2023-12-18. Review status: no assertion criteria provided. Collection method: clinical testing. Allele origin: germline.
Comment: The OPTN c.1253T>G variant is predicted to result in the amino acid substitution p.Val418Gly. To our knowledge, this variant has not been reported in the literature. This variant is reported in 0.00088% of alleles in individuals of European (Non-Finnish) descent in gnomAD. At this time, the clinical significance of this variant is uncertain due to the absence of conclusive functional and genetic evidence.